The following is an entry in ClinVar:

NM_000465.4(BARD1):c.45C>A (p.Arg15=)

Gene: BARD1 (BRCA1 associated RING domain 1; minus strand). Cytogenetic location: 2q35.
Variant type: single nucleotide variant.
Coding change: c.45C>A on transcript NM_000465.4 (MANE Select); coding-DNA position 45, C replaced by A.
Protein change: p.Arg15=; no amino-acid change (arginine 15 retained).
Molecular consequence: synonymous variant. On other transcripts: non-coding transcript variant (3).
Genome position (GRCh38, 1-based): chr2:214,809,525, G>T on the plus strand (C>A on the coding strand, the complement: BARD1 is on the minus strand). VCF-style: chr2-214809525-G-T. GRCh37 (hg19) VCF-style: chr2-215674249-G-T.
Other names: c.45C>A, p.Arg15= (NM_001282543.2, NM_001282545.2, NM_001282548.2 and 1 more transcripts).
Identifiers: ClinVar variation 460751 (VCV000460751.22), dbSNP rs786201402, ClinGen allele CA64810433.

ClinVar aggregate classification (germline): Conflicting classifications of pathogenicity. Review status: criteria provided, conflicting classifications (1 of 4 stars). 5 submissions from 5 submitters: Uncertain significance (1); Benign (1); Likely benign (3). Last evaluated 2025-10-04.

Conditions:
Hereditary cancer-predisposing syndrome. Also called: Neoplastic Syndromes, Hereditary; Tumor predisposition; Hereditary Cancer Syndrome; Hereditary neoplastic syndrome. Identifiers: Orphanet 140162, MedGen C0027672, MeSH D009386, MONDO:0015356.
Familial cancer of breast. Also called: BREAST CANCER, FAMILIAL; hereditary breast carcinoma; Hereditary breast cancer. Identifiers: Orphanet 227535, MedGen C0346153, MONDO:0016419, OMIM 114480. Disease mechanism: loss of function.

Allele frequency attached by ClinVar (database versions not stated): gnomAD exomes below 0.00001.
gnomAD v4.1: 6 of 1,589,236 alleles (0.00038%); highest among the groups gnomAD compares: East Asian, 0.014%; no homozygotes.

Submissions (5):

Labcorp Genetics (formerly Invitae), Labcorp
Classification: Likely benign for Familial cancer of breast. Last evaluated: 2025-10-04. Review status: criteria provided, single submitter. Criteria: Invitae Variant Classification Sherloc (09022015). Collection method: clinical testing. Allele origin: germline.

Myriad Genetics, Inc.
Classification: Benign for Familial cancer of breast. Last evaluated: 2024-07-18. Review status: criteria provided, single submitter. Criteria: Myriad Autosomal Dominant, Autosomal Recessive and X-Linked Classification Criteria (2023). Collection method: clinical testing. Allele origin: unknown.
Comment: This variant is considered benign. This variant is a silent/synonymous amino acid change and it is not expected to impact splicing.

Ambry Genetics
Classification: Likely benign for Hereditary cancer-predisposing syndrome. Last evaluated: 2018-08-08. Review status: criteria provided, single submitter. Criteria: Ambry Variant Classification Scheme 2023. Collection method: clinical testing. Allele origin: germline.

Color Diagnostics, LLC DBA Color Health
Classification: Likely benign for Hereditary cancer-predisposing syndrome. Last evaluated: 2017-11-01. Review status: criteria provided, single submitter. Criteria: ACMG Guidelines, 2015. Collection method: clinical testing. Allele origin: germline.

Illumina Laboratory Services, Illumina
Classification: Uncertain significance for Familial cancer of breast. Last evaluated: 2017-04-27. Review status: criteria provided, single submitter. Criteria: ICSL Variant Classification Criteria 13 December 2019. Collection method: clinical testing. Allele origin: germline.